The following is an entry in ClinVar:

ClinVar aggregate classification (germline): Uncertain significance. Review status: criteria provided, multiple submitters, no conflicts (2 of 4 stars). 2 submissions from 2 submitters: Uncertain significance (2). Last evaluated 2022-08-19.

Conditions:
Combined immunodeficiency due to DOCK8 deficiency (HIES2). Also called: HIES autosomal recessive; Hyper-IgE recurrent infection syndrome, autosomal recessive; HYPER-IgE RECURRENT INFECTION SYNDROME 2, AUTOSOMAL RECESSIVE; HYPER-IgE SYNDROME 2, AUTOSOMAL RECESSIVE, WITH RECURRENT INFECTIONS; DOCK8 Deficiency. Identifiers: Orphanet 217390, MedGen C4722305, MONDO:0009478, OMIM 243700.
Hyper-IgE recurrent infection syndrome 3, autosomal recessive. Also called: HYPER-IgE SYNDROME 3, AUTOSOMAL RECESSIVE, WITH RECURRENT INFECTIONS; Autosomal recessive hyper-IgE syndrome due to ZNF341 deficiency. Identifiers: Orphanet 641368, MedGen C4748969, MONDO:0032654, OMIM 618282.

gnomAD v4.1: 30 of 1,613,900 alleles (0.0019%); highest among the groups gnomAD compares: South Asian, 0.013%; no homozygotes.

Submissions (2):

Labcorp Genetics (formerly Invitae), Labcorp
Classification: Uncertain significance for Combined immunodeficiency due to DOCK8 deficiency. Last evaluated: 2022-08-19. Review status: criteria provided, single submitter. Criteria: Invitae Variant Classification Sherloc (09022015). Collection method: clinical testing. Allele origin: germline.
Comment: This sequence change replaces proline, which is neutral and non-polar, with leucine, which is neutral and non-polar, at codon 179 of the DOCK8 protein (p.Pro179Leu). ClinVar contains an entry for this variant (Variation ID: 366543). This variant has not been reported in the literature in individuals affected with DOCK8-related conditions. This variant is present in population databases (rs772181121, gnomAD 0.02%). In summary, the available evidence is currently insufficient to determine the role of this variant in disease. Therefore, it has been classified as a Variant of Uncertain Significance. Algorithms developed to predict the effect of missense changes on protein structure and function (SIFT, PolyPhen-2, Align-GVGD) all suggest that this variant is likely to be tolerated.

Illumina Laboratory Services, Illumina
Classification: Uncertain significance for Combined immunodeficiency due to DOCK8 deficiency. Last evaluated: 2018-01-13. Review status: criteria provided, single submitter. Criteria: ICSL Variant Classification Criteria 13 December 2019. Collection method: clinical testing. Allele origin: germline.

NM_203447.4(DOCK8):c.536C>T (p.Pro179Leu)

Gene: DOCK8 (dedicator of cytokinesis 8; plus strand). Cytogenetic location: 9p24.3.
Variant type: single nucleotide variant.
Coding change: c.536C>T on transcript NM_203447.4 (MANE Select); coding-DNA position 536, C replaced by T.
Protein change: p.Pro179Leu; replaces proline 179 with leucine.
Molecular consequence: missense variant.
Genome position (GRCh38, 1-based): chr9:311,961, C>T. VCF-style: chr9-311961-C-T. GRCh37 (hg19) VCF-style: chr9-311961-C-T.
Other names: c.332C>T, p.Pro111Leu (NM_001190458.2, NM_001193536.2); short protein forms P179L, P111L.
Identifiers: ClinVar variation 366543 (VCV000366543.7), dbSNP rs772181121, ClinGen allele CA4957306.